The following is an entry in ClinVar:

NM_000215.4(JAK3):c.3097-116T>G

Gene: JAK3 (Janus kinase 3; minus strand). Cytogenetic location: 19p13.11.
Variant type: single nucleotide variant.
Coding change: c.3097-116T>G on transcript NM_000215.4 (MANE Select); 116 bases into the intron before coding-DNA position 3097, T replaced by G.
Molecular consequence: intron variant.
Genome position (GRCh38, 1-based): chr19:17,830,334, A>C on the plus strand (T>G on the coding strand, the complement: JAK3 is on the minus strand). VCF-style: chr19-17830334-A-C. GRCh37 (hg19) VCF-style: chr19-17941143-A-C.
Identifiers: ClinVar variation 1225967 (VCV001225967.5), dbSNP rs2302600, ClinGen allele CA14698725.

ClinVar aggregate classification (germline): Benign. Review status: criteria provided, multiple submitters, no conflicts (2 of 4 stars). 2 submissions from 2 submitters: Benign (2). Last evaluated 2024-01-24.

Allele frequency attached by ClinVar (database versions not stated): gnomAD 0.30426 and 0.30934; gnomAD exomes 0.30832; TOPMed 0.31228; 1000 Genomes Project 0.37859; 1000 Genomes Project 30x 0.37961.
gnomAD v4.1: 289,521 of 937,460 alleles (31%); highest among the groups gnomAD compares: Admixed American, 44%; 47,066 homozygotes.

Submissions (2):

Unidad de Genómica Garrahan, Hospital de Pediatría Garrahan
Classification: Benign. Last evaluated: 2024-01-24. Review status: criteria provided, single submitter. Criteria: ACMG Guidelines, 2015. Collection method: clinical testing. Allele origin: germline. Affected: no. Observed: 42 variant alleles.
Comment: This variant is classified as Benign based on local population frequency. This variant was detected in 44% of patients studied by a panel of primary immunodeficiencies. Number of patients: 42. Only high quality variants are reported.

GeneDx
Classification: Benign. Last evaluated: 2018-06-23. Review status: criteria provided, single submitter. Criteria: GeneDx Variant Classification Process June 2021. Collection method: clinical testing. Allele origin: germline. Affected: yes.